The following is an entry in ClinVar:

NM_001145860.2(POP1):c.256G>C (p.Gly86Arg)

Gene: POP1 (POP1 ribonuclease P/MRP subunit; plus strand). Cytogenetic location: 8q22.2.
Variant type: single nucleotide variant.
Coding change: c.256G>C on transcript NM_001145860.2 (MANE Select); coding-DNA position 256, G replaced by C.
Protein change: p.Gly86Arg; replaces glycine 86 with arginine.
Molecular consequence: missense variant.
Genome position (GRCh38, 1-based): chr8:98,127,708, G>C. VCF-style: chr8-98127708-G-C. GRCh37 (hg19) VCF-style: chr8-99139936-G-C.
Other names: c.256G>C, p.Gly86Arg (NM_001145861.2, NM_015029.3); c.256G>C (NM_015029.2); short protein forms G86R.
Identifiers: ClinVar variation 1503853 (VCV001503853.5), dbSNP rs150709391, ClinGen allele CA4820269.

ClinVar aggregate classification (germline): Uncertain significance. Review status: criteria provided, multiple submitters, no conflicts (2 of 4 stars). 2 submissions from 2 submitters: Uncertain significance (2). Last evaluated 2025-06-02.

Allele frequency attached by ClinVar (database versions not stated): ESP Exome Variant Server 0.00015.
gnomAD v4.1: 483 of 1,613,988 alleles (0.03%); highest among the groups gnomAD compares: Non-Finnish European, 0.031%; 1 homozygote.

Submissions (2):

GeneDx
Classification: Uncertain significance. Last evaluated: 2025-06-02. Review status: criteria provided, single submitter. Criteria: GeneDx Variant Classification Process June 2021. Collection method: clinical testing. Allele origin: germline. Affected: yes.
Comment: In silico analysis suggests that this missense variant does not alter protein structure/function; Has not been previously published as pathogenic or benign to our knowledge

Labcorp Genetics (formerly Invitae), Labcorp
Classification: Uncertain significance. Last evaluated: 2024-12-16. Review status: criteria provided, single submitter. Criteria: Invitae Variant Classification Sherloc (09022015). Collection method: clinical testing. Allele origin: germline.
Comment: This sequence change replaces glycine, which is neutral and non-polar, with arginine, which is basic and polar, at codon 86 of the POP1 protein (p.Gly86Arg). This variant is present in population databases (rs150709391, gnomAD 0.1%), and has an allele count higher than expected for a pathogenic variant. This variant has not been reported in the literature in individuals affected with POP1-related conditions. ClinVar contains an entry for this variant (Variation ID: 1503853). An algorithm developed to predict the effect of missense changes on protein structure and function (PolyPhen-2) suggests that this variant is likely to be disruptive. In summary, the available evidence is currently insufficient to determine the role of this variant in disease. Therefore, it has been classified as a Variant of Uncertain Significance.